The following is an entry in ClinVar:

ClinVar aggregate classification (germline): Uncertain significance. Review status: criteria provided, multiple submitters, no conflicts (2 of 4 stars). 3 submissions from 3 submitters: Uncertain significance (2). 1 of the submissions does not count toward it. Last evaluated 2025-05-16.

Conditions:
Prostate cancer, hereditary, 1 (HPC1). Identifiers: Orphanet 1331, MedGen C4722327, MONDO:0011098, OMIM 601518.
Hereditary cancer-predisposing syndrome. Also called: Neoplastic Syndromes, Hereditary; Tumor predisposition; Hereditary neoplastic syndrome; Hereditary Cancer Syndrome. Identifiers: Orphanet 140162, MedGen C0027672, MeSH D009386, MONDO:0015356.

Submissions (3):

Ambry Genetics
Classification: Uncertain significance for Hereditary cancer-predisposing syndrome. Last evaluated: 2025-05-16. Review status: criteria provided, single submitter. Criteria: Ambry Variant Classification Scheme 2023. Collection method: clinical testing. Allele origin: germline.
Comment: The p.D244G variant (also known as c.731A>G), located in coding exon 2 of the HOXB13 gene, results from an A to G substitution at nucleotide position 731. The aspartic acid at codon 244 is replaced by glycine, an amino acid with similar properties. This amino acid position is conserved. In addition, this alteration is predicted to be deleterious by in silico analysis. Based on the available evidence, the clinical significance of this variant remains unclear.

Labcorp Genetics (formerly Invitae), Labcorp
Classification: Uncertain significance. Last evaluated: 2024-09-09. Review status: criteria provided, single submitter. Criteria: Invitae Variant Classification Sherloc (09022015). Collection method: clinical testing. Allele origin: germline.
Comment: This sequence change replaces aspartic acid, which is acidic and polar, with glycine, which is neutral and non-polar, at codon 244 of the HOXB13 protein (p.Asp244Gly). This variant is not present in population databases (gnomAD no frequency). This variant has not been reported in the literature in individuals affected with HOXB13-related conditions. ClinVar contains an entry for this variant (Variation ID: 691238). Invitae Evidence Modeling of protein sequence and biophysical properties (such as structural, functional, and spatial information, amino acid conservation, physicochemical variation, residue mobility, and thermodynamic stability) indicates that this missense variant is expected to disrupt HOXB13 protein function with a positive predictive value of 80%. In summary, the available evidence is currently insufficient to determine the role of this variant in disease. Therefore, it has been classified as a Variant of Uncertain Significance.

Laboratory of Virology, Microbiology,  Quality and Medical Biotechnologies, Faculty of Sciences and Techniques - Mohammedia, Hassan II University of Casablanca
Classification: Uncertain significance for Prostate cancer, hereditary, 1. Review status: no assertion criteria provided. Collection method: clinical testing. Allele origin: somatic. Affected: yes. Not counted in ClinVar's aggregate classification.

NM_006361.6(HOXB13):c.731A>G (p.Asp244Gly)

Gene: HOXB13 (homeobox B13; minus strand). Cytogenetic location: 17q21.32.
Variant type: single nucleotide variant.
Coding change: c.731A>G on transcript NM_006361.6 (MANE Select); coding-DNA position 731, A replaced by G.
Protein change: p.Asp244Gly; replaces aspartic acid 244 with glycine.
Molecular consequence: missense variant.
Genome position (GRCh38, 1-based): chr17:48,726,914, T>C on the plus strand (A>G on the coding strand, the complement: HOXB13 is on the minus strand). VCF-style: chr17-48726914-T-C. GRCh37 (hg19) VCF-style: chr17-46804276-T-C.
Other names: short protein forms D244G.
Identifiers: ClinVar variation 691238 (VCV000691238.10), dbSNP rs1597932732, ClinGen allele CA400106224.